The following is an entry in ClinVar:

ClinVar aggregate classification (germline): Uncertain significance (1 of 4 stars; one submission).

Allele frequency attached by ClinVar (database versions not stated): TOPMed below 0.00001; gnomAD 0.00001.
gnomAD v4.1: 1 of 1,613,788 alleles (0.000062%); highest among the groups gnomAD compares: Non-Finnish European, 0.000085%; no homozygotes.

Submission:

GeneDx
Classification: Uncertain significance. Last evaluated: 2022-09-15. Review status: criteria provided, single submitter. Criteria: GeneDx Variant Classification Process June 2021. Collection method: clinical testing. Allele origin: germline. Affected: yes.
Comment: Not observed at significant frequency in large population cohorts (gnomAD); In silico analysis supports that this missense variant has a deleterious effect on protein structure/function; Has not been previously published as pathogenic or benign to our knowledge

NM_015335.5(MED13L):c.3986C>T (p.Ser1329Phe)

Gene: MED13L (mediator complex subunit 13L; minus strand). Cytogenetic location: 12q24.21.
Variant type: single nucleotide variant.
Coding change: c.3986C>T on transcript NM_015335.5 (MANE Select); coding-DNA position 3986, C replaced by T.
Protein change: p.Ser1329Phe; replaces serine 1329 with phenylalanine.
Molecular consequence: missense variant.
Genome position (GRCh38, 1-based): chr12:115,987,237, G>A on the plus strand (C>T on the coding strand, the complement: MED13L is on the minus strand). VCF-style: chr12-115987237-G-A. GRCh37 (hg19) VCF-style: chr12-116425042-G-A.
Other names: short protein forms S1329F.
Identifiers: ClinVar variation 2444580 (VCV002444580.1), dbSNP rs1039570391, ClinGen allele CA244146848.